The following is an entry in ClinVar:

ClinVar aggregate classification (germline): Uncertain significance (1 of 4 stars; one submission).

Submission:

GeneDx
Classification: Uncertain significance. Last evaluated: 2024-11-19. Review status: criteria provided, single submitter. Criteria: GeneDx Variant Classification Process June 2021. Collection method: clinical testing. Allele origin: germline. Affected: yes.
Comment: Not observed at significant frequency in large population cohorts (gnomAD); Frameshift variant predicted to result in abnormal protein length as the last 15 amino acid(s) are replaced with 6 different amino acid(s); Has not been previously published as pathogenic or benign to our knowledge

NM_001205293.3(CACNA1E):c.6894_6895dup (p.Ala2299fs)

Gene: CACNA1E (calcium voltage-gated channel subunit alpha1 E; plus strand). Cytogenetic location: 1q25.3.
Variant type: Duplication.
Coding change: c.6894_6895dup on transcript NM_001205293.3 (MANE Select); coding-DNA positions 6894 to 6895, 2 bases duplicated (GG; older notation c.6894_6895dupGG).
Protein change: p.Ala2299fs; shifts the reading frame from alanine 2299.
Molecular consequence: frameshift variant.
Genome position (GRCh38, 1-based): chr1:181,798,786-181,798,787, GG duplicated; duplicating any 2 consecutive bases within chr1:181,798,784-181,798,787 gives the same sequence; the c. name uses the placement nearest the transcript's 3' end. VCF-style (leftmost placement, unchanged base first): chr1-181798783-T-TGG. GRCh37 (hg19) VCF-style: chr1-181767919-T-TGG.
Other names: c.6765_6766dup, p.Ala2256fs (NM_000721.4); c.6708_6709dup, p.Ala2237fs (NM_001205294.2); short protein forms A2237fs, A2256fs, A2299fs.
Identifiers: ClinVar variation 3899806 (VCV003899806.1).